The following is an entry in ClinVar:

NM_177438.3(DICER1):c.1757T>G (p.Leu586Trp)

Gene: DICER1 (dicer 1, ribonuclease III; minus strand). Cytogenetic location: 14q32.13.
Variant type: single nucleotide variant.
Coding change: c.1757T>G on transcript NM_177438.3 (MANE Select); coding-DNA position 1757, T replaced by G.
Protein change: p.Leu586Trp; replaces leucine 586 with tryptophan.
Molecular consequence: missense variant. On other transcripts: non-coding transcript variant (6).
Genome position (GRCh38, 1-based): chr14:95,115,817, A>C on the plus strand (T>G on the coding strand, the complement: DICER1 is on the minus strand). VCF-style: chr14-95115817-A-C. GRCh37 (hg19) VCF-style: chr14-95582154-A-C.
Other names: c.1757T>G, p.Leu586Trp (NM_001195573.1, NM_001271282.3, NM_001291628.2 and 13 more transcripts); c.1475T>G, p.Leu492Trp (NM_001395686.1); c.1352T>G, p.Leu451Trp (NM_001395687.1, NM_001395688.1, NM_001395689.1 and 3 more transcripts); c.1190T>G, p.Leu397Trp (NM_001395691.1); c.74T>G, p.Leu25Trp (NM_001395697.1); short protein forms L397W, L492W, L25W, L451W, L586W.
Identifiers: ClinVar variation 2812278 (VCV002812278.3), dbSNP rs1892400841, ClinGen allele CA390884201.

ClinVar aggregate classification (germline): Uncertain significance (1 of 4 stars; one submission).

Conditions:
DICER1-related tumor predisposition. Also called: DICER1 syndrome; DICER1-related pleuropulmonary blastoma cancer predisposition syndrome. Identifiers: Orphanet 284343, MedGen C3839822, MONDO:0100216.

Submission:

Labcorp Genetics (formerly Invitae), Labcorp
Classification: Uncertain significance for DICER1-related tumor predisposition. Last evaluated: 2022-11-06. Review status: criteria provided, single submitter. Criteria: Invitae Variant Classification Sherloc (09022015). Collection method: clinical testing. Allele origin: germline.
Comment: This sequence change replaces leucine, which is neutral and non-polar, with tryptophan, which is neutral and slightly polar, at codon 586 of the DICER1 protein (p.Leu586Trp). In summary, the available evidence is currently insufficient to determine the role of this variant in disease. Therefore, it has been classified as a Variant of Uncertain Significance. Advanced modeling of protein sequence and biophysical properties (such as structural, functional, and spatial information, amino acid conservation, physicochemical variation, residue mobility, and thermodynamic stability) performed at Invitae indicates that this missense variant is expected to disrupt DICER1 protein function. This variant has not been reported in the literature in individuals affected with DICER1-related conditions. This variant is not present in population databases (gnomAD no frequency).